The following is an entry in ClinVar:

ClinVar aggregate classification (germline): Likely pathogenic (1 of 4 stars; one submission).

Submission:

Dasa
Classification: Likely pathogenic. Last evaluated: 2026-04-22. Review status: criteria provided, single submitter. Criteria: DASA Assertion Criteria. Collection method: clinical testing. Allele origin: germline.
Comment: NM_018417.6(ADCY10):c.1323_1327del (p.Phe441Leufs*25) introduces a premature termination codon predicted to result in loss of normal protein function. Loss-of-function is an established mechanism of disease for this gene. The variant is present at low frequency in population datasets. Based on the available data, this variant is classified as likely pathogenic.

NM_018417.6(ADCY10):c.1323_1327del (p.Phe441fs)

Genes: ADCY10 (adenylate cyclase 10; minus strand), DCAF6 (DDB1 and CUL4 associated factor 6; plus strand). Cytogenetic location: 1q24.2.
Variant type: Deletion.
Coding change: c.1323_1327del on transcript NM_018417.6 (MANE Select); coding-DNA positions 1323 to 1327, 5 bases deleted (TTTTA; older notation c.1323_1327delTTTTA).
Protein change: p.Phe441fs; shifts the reading frame from phenylalanine 441.
Molecular consequence: frameshift variant.
Genome position (GRCh38, 1-based): chr1:167,878,525-167,878,529, TAAAA deleted on the plus strand (TTTTA on the coding strand, the reverse complement: ADCY10 is on the minus strand). VCF-style (leftmost placement, unchanged base first): chr1-167878524-TTAAAA-T. GRCh37 (hg19) VCF-style: chr1-167847762-TTAAAA-T.
Other names: c.864_868del, p.Phe288fs (NM_001167749.3); c.1047_1051del, p.Phe349fs (NM_001297772.2); short protein forms F288fs, F349fs, F441fs.
Identifiers: ClinVar variation 4851802 (VCV004851802.1).